The following is an entry in ClinVar:

ClinVar aggregate classification (germline): Uncertain significance (1 of 4 stars; one submission).

Conditions:
Epileptic encephalopathy. Identifiers: MedGen C0543888, HP:0200134.

Allele frequency attached by ClinVar (database versions not stated): gnomAD exomes 0.00001 and 0.00007; TOPMed 0.00003; ESP Exome Variant Server 0.00008; gnomAD 0.00005; ExAC 0.00006.
gnomAD v4.1: 26 of 1,573,580 alleles (0.0017%); highest among the groups gnomAD compares: Admixed American, 0.029%; no homozygotes.

Submission:

Labcorp Genetics (formerly Invitae), Labcorp
Classification: Uncertain significance for Epileptic encephalopathy. Last evaluated: 2020-11-17. Review status: criteria provided, single submitter. Criteria: Invitae Variant Classification Sherloc (09022015). Collection method: clinical testing. Allele origin: germline.
Comment: In summary, this variant is a rare missense change with uncertain impact on protein function. There is no indication that it causes disease, but the available evidence is currently insufficient to prove that conclusively. Therefore, it has been classified as a Variant of Uncertain Significance. Algorithms developed to predict the effect of missense changes on protein structure and function do not agree on the potential impact of this missense change (SIFT: "Deleterious"; PolyPhen-2: "Benign"; Align-GVGD: "Class C0"). This variant is present in population databases (rs369689229, ExAC 0.08%) but has not been reported in the literature in individuals with a RYR3-related disease. This sequence change replaces glutamic acid with lysine at codon 3605 of the RYR3 protein (p.Glu3605Lys). The glutamic acid residue is highly conserved and there is a small physicochemical difference between glutamic acid and lysine.

NM_001036.6(RYR3):c.10813G>A (p.Glu3605Lys)

Gene: RYR3 (ryanodine receptor 3; plus strand). Cytogenetic location: 15q14.
Variant type: single nucleotide variant.
Coding change: c.10813G>A on transcript NM_001036.6 (MANE Select); coding-DNA position 10813, G replaced by A.
Protein change: p.Glu3605Lys; replaces glutamic acid 3605 with lysine.
Molecular consequence: missense variant.
Genome position (GRCh38, 1-based): chr15:33,820,810, G>A. VCF-style: chr15-33820810-G-A. GRCh37 (hg19) VCF-style: chr15-34113011-G-A.
Other names: c.10798G>A, p.Glu3600Lys (NM_001243996.4); short protein forms E3605K, E3600K.
Identifiers: ClinVar variation 461832 (VCV000461832.8), dbSNP rs369689229, ClinGen allele CA7460987.